The following is an entry in ClinVar:

NM_014141.6(CNTNAP2):c.539G>A (p.Gly180Asp)

Gene: CNTNAP2 (contactin associated protein 2; plus strand). Cytogenetic location: 7q35.
Variant type: single nucleotide variant.
Coding change: c.539G>A on transcript NM_014141.6 (MANE Select); coding-DNA position 539, G replaced by A.
Protein change: p.Gly180Asp; replaces glycine 180 with aspartic acid.
Molecular consequence: missense variant.
Genome position (GRCh38, 1-based): chr7:147,044,043, G>A. VCF-style: chr7-147044043-G-A. GRCh37 (hg19) VCF-style: chr7-146741135-G-A.
Other names: short protein forms G180D.
Identifiers: ClinVar variation 3342724 (VCV003342724.1).

ClinVar aggregate classification (germline): Uncertain significance (1 of 4 stars; one submission).

Submission:

GeneDx
Classification: Uncertain significance. Last evaluated: 2023-04-13. Review status: criteria provided, single submitter. Criteria: GeneDx Variant Classification Process June 2021. Collection method: clinical testing. Allele origin: germline. Affected: yes.
Comment: Not observed at significant frequency in large population cohorts (gnomAD); In silico analysis supports that this missense variant has a deleterious effect on protein structure/function; Has not been previously published as pathogenic or benign to our knowledge